The following is an entry in ClinVar:

NM_006912.6(RIT1):c.578T>G (p.Met193Arg)

Gene: RIT1 (Ras like without CAAX 1; minus strand). Cytogenetic location: 1q22.
Variant type: single nucleotide variant.
Coding change: c.578T>G on transcript NM_006912.6 (MANE Select); coding-DNA position 578, T replaced by G.
Protein change: p.Met193Arg; replaces methionine 193 with arginine.
Molecular consequence: missense variant.
Genome position (GRCh38, 1-based): chr1:155,900,470, A>C on the plus strand (T>G on the coding strand, the complement: RIT1 is on the minus strand). VCF-style: chr1-155900470-A-C. GRCh37 (hg19) VCF-style: chr1-155870261-A-C.
Other names: c.470T>G, p.Met157Arg (NM_001256820.2); c.629T>G, p.Met210Arg (NM_001256821.2); short protein forms M157R, M210R, M193R.
Identifiers: ClinVar variation 2735631 (VCV002735631.3), dbSNP rs1442986615, ClinGen allele CA342801017.

ClinVar aggregate classification (germline): Uncertain significance (1 of 4 stars; one submission).

Conditions:
Noonan syndrome 8 (NS8). Identifiers: Orphanet 648, MedGen C3809233, MONDO:0014143, OMIM 615355.

Allele frequency attached by ClinVar (database versions not stated): TOPMed below 0.00001; gnomAD 0.00001.

Submission:

Labcorp Genetics (formerly Invitae), Labcorp
Classification: Uncertain significance for Noonan syndrome 8. Last evaluated: 2023-07-24. Review status: criteria provided, single submitter. Criteria: Invitae Variant Classification Sherloc (09022015). Collection method: clinical testing. Allele origin: germline.
Comment: This variant is not present in population databases (gnomAD no frequency). This sequence change replaces methionine, which is neutral and non-polar, with arginine, which is basic and polar, at codon 193 of the RIT1 protein (p.Met193Arg). This variant has not been reported in the literature in individuals affected with RIT1-related conditions. Advanced modeling of protein sequence and biophysical properties (such as structural, functional, and spatial information, amino acid conservation, physicochemical variation, residue mobility, and thermodynamic stability) performed at Invitae indicates that this missense variant is not expected to disrupt RIT1 protein function. In summary, the available evidence is currently insufficient to determine the role of this variant in disease. Therefore, it has been classified as a Variant of Uncertain Significance.